The following is an entry in ClinVar:

NM_000535.7(PMS2):c.-5C>G

Gene: PMS2 (PMS1 homolog 2, mismatch repair system component; minus strand). Cytogenetic location: 7p22.1.
Variant type: single nucleotide variant.
Coding change: c.-5C>G on transcript NM_000535.7 (MANE Select); 5 bases upstream of the start codon, C replaced by G.
Molecular consequence: 5 prime UTR variant. On other transcripts: non-coding transcript variant (1).
Genome position (GRCh38, 1-based): chr7:6,009,024, G>C on the plus strand (C>G on the coding strand, the complement: PMS2 is on the minus strand). VCF-style: chr7-6009024-G-C. GRCh37 (hg19) VCF-style: chr7-6048655-G-C.
Other names: c.-405C>G (NM_001018040.1, NM_001322003.2, NM_001322013.2 and 5 more transcripts); c.-270C>G (NM_001322004.2, NM_001322010.2, NM_001406911.1); c.-600C>G (NM_001322005.2); c.-5C>G (NM_001322006.2, NM_001322014.2, NM_001406866.1 and 11 more transcripts); c.-220C>G (NM_001322007.2, NM_001406876.1, NM_001406896.1 and 2 more transcripts); c.-80C>G (NM_001322008.2); c.-595C>G (NM_001322009.2, NM_001406897.1); c.-889C>G (NM_001322011.2); and 19 more.
Identifiers: ClinVar variation 1750987 (VCV001750987.2), dbSNP rs786202272, ClinGen allele CA2580077219.

ClinVar aggregate classification (germline): Uncertain significance (1 of 4 stars; one submission).

Conditions:
Hereditary cancer-predisposing syndrome. Also called: Hereditary Cancer Syndrome; Hereditary neoplastic syndrome; Neoplastic Syndromes, Hereditary; Tumor predisposition. Identifiers: Orphanet 140162, MedGen C0027672, MeSH D009386, MONDO:0015356.

Submission:

Ambry Genetics
Classification: Uncertain significance for Hereditary cancer-predisposing syndrome. Last evaluated: 2023-10-19. Review status: criteria provided, single submitter. Criteria: Ambry Variant Classification Scheme 2023. Collection method: clinical testing. Allele origin: germline.
Comment: The c.-5C>G variant is located in the 5' untranslated region (5&rsquo; UTR) of the PMS2 gene. This variant results from a C to G substitution 5 bases upstream from the first translated codon. Based on nucleotide sequence alignment, this position is poorly conserved in available vertebrate species. Since supporting evidence is limited at this time, the clinical significance of this alteration remains unclear.